The following is an entry in ClinVar:

ClinVar aggregate classification (germline): Pathogenic. Review status: criteria provided, multiple submitters, no conflicts (2 of 4 stars). 12 submissions from 12 submitters: Pathogenic (10). 2 of the submissions do not count toward it. Last evaluated 2026-04-20.

Conditions:
Hereditary nonpolyposis colon cancer (HNPCC). Also called: Hereditary Nonpolyposis Colorectal Cancer Syndrome; Hereditary nonpolyposis colorectal cancer; Familial nonpolyposis colon cancer. Identifiers: Orphanet 443909, MedGen C1333990, MONDO:0018630. Disease mechanism: loss of function.
MSH6-related disorder. Also called: MSH6-related condition; MSH6-Related disorders.
Hereditary nonpolyposis colorectal neoplasms. Identifiers: MedGen C0009405, MeSH D003123.
Hereditary cancer-predisposing syndrome. Also called: Neoplastic Syndromes, Hereditary; Hereditary Cancer Syndrome; Tumor predisposition; Hereditary neoplastic syndrome. Identifiers: Orphanet 140162, MedGen C0027672, MeSH D009386, MONDO:0015356.
Lynch syndrome. Identifiers: Orphanet 144, MedGen C4552100, MONDO:0005835. Disease mechanism: loss of function.
Lynch syndrome 5 (LYNCH5). Also called: Colorectal cancer, hereditary nonpolyposis, type 5; Hereditary non-polyposis colorectal cancer, type 5. Identifiers: Orphanet 144, MedGen C1833477, MONDO:0013710, OMIM 614350. Disease mechanism: loss of function.

Allele frequency attached by ClinVar (database versions not stated): gnomAD exomes below 0.00001.

Submissions (12):

Dasa
Classification: Pathogenic. Last evaluated: 2026-04-20. Review status: criteria provided, single submitter. Criteria: DASA Assertion Criteria. Collection method: clinical testing. Allele origin: germline.
Comment: NM_000179.3(MSH6):c.1519dup (p.Arg507Lysfs*9) introduces a premature termination codon predicted to result in loss of normal protein function. Loss-of-function is an established mechanism of disease for this gene. This variant has been recurrently observed in individuals with related phenotype (PMID: 28135145; PMID: 28874130; PMID: 33606809; PMID: 28975465). The variant is present at low frequency in population datasets. Based on the available data, this variant is classified as pathogenic.

Women's Health and Genetics/Laboratory Corporation of America, LabCorp
Classification: Pathogenic for Hereditary nonpolyposis colon cancer. Last evaluated: 2026-04-13. Review status: criteria provided, single submitter. Criteria: LabCorp Variant Classification Summary - May 2015. Collection method: clinical testing. Allele origin: germline.
Comment: Variant summary: MSH6 c.1519dupA (p.Arg507LysfsX9) results in a premature termination codon, predicted to cause absence of the protein due to nonsense mediated decay, which is a commonly known mechanism for disease. The variant was absent in 251250 control chromosomes (gnomAD). c.1519dupA has been observed in individuals affected with Lynch Syndrome-related cancer (e.g. Yurgelun_2017, Rossi_2017). These data indicate that the variant is likely to be associated with disease. The following publications have been ascertained in the context of this evaluation (PMID: 28135145, 28874130). ClinVar contains an entry for this variant (Variation ID: 230978). Based on the evidence outlined above, the variant was classified as pathogenic.

Labcorp Genetics (formerly Invitae), Labcorp
Classification: Pathogenic for Hereditary nonpolyposis colorectal neoplasms. Last evaluated: 2026-01-13. Review status: criteria provided, single submitter. Criteria: Invitae Variant Classification Sherloc (09022015). Collection method: clinical testing. Allele origin: germline.
Comment: This sequence change creates a premature translational stop signal (p.Arg507Lysfs*9) in the MSH6 gene. It is expected to result in an absent or disrupted protein product. Loss-of-function variants in MSH6 are known to be pathogenic (PMID: 18269114, 24362816). This variant is not present in population databases (gnomAD no frequency). This premature translational stop signal has been observed in individual(s) with colorectal cancer or Lynch syndrome (PMID: 28135145, 28874130). ClinVar contains an entry for this variant (Variation ID: 230978). For these reasons, this variant has been classified as Pathogenic.

Center for Genomic Medicine, Rigshospitalet, Copenhagen University Hospital
Classification: Pathogenic. Last evaluated: 2025-03-04. Review status: criteria provided, single submitter. Criteria: ACMG Guidelines, 2015. Collection method: clinical testing. Allele origin: germline.

Department of Clinical Genetics, Copenhagen University Hospital, Rigshospitalet
Classification: Pathogenic for Lynch syndrome. Last evaluated: 2025-02-04. Review status: criteria provided, single submitter. Criteria: ACMG Guidelines, 2015. Collection method: clinical testing. Allele origin: germline.
Comment: PVS1; PM2_SUP; PP4

Myriad Genetics, Inc.
Classification: Pathogenic for Lynch syndrome 5. Last evaluated: 2023-08-14. Review status: criteria provided, single submitter. Criteria: Myriad Autosomal Dominant, Autosomal Recessive and X-Linked Classification Criteria (2023). Collection method: clinical testing. Allele origin: unknown.
Comment: This variant is considered pathogenic. This variant creates a frameshift predicted to result in premature protein truncation.

Ambry Genetics
Classification: Pathogenic for Hereditary cancer-predisposing syndrome. Last evaluated: 2023-08-08. Review status: criteria provided, single submitter. Criteria: Ambry Variant Classification Scheme 2023. Collection method: clinical testing. Allele origin: germline.
Comment: The c.1519dupA pathogenic mutation, located in coding exon 4 of the MSH6 gene, results from a duplication of A at nucleotide position 1519, causing a translational frameshift with a predicted alternate stop codon (p.R507Kfs*9). This variant has been reported in multiple Lynch syndrome families (Yurgelun MB et al. J. Clin. Oncol., 2017 Apr;35:1086-1095; Siraj AK et al. Hum. Genet., 2017 11;136:1431-1444; Rossi BM et al. BMC Cancer, 2017 Sep;17:623). In addition to the clinical data presented in the literature, this alteration is expected to result in loss of function by premature protein truncation or nonsense-mediated mRNA decay. As such, this alteration is interpreted as a disease-causing mutation.

CeGaT Center for Human Genetics Tuebingen
Classification: Pathogenic. Last evaluated: 2020-03-01. Review status: criteria provided, single submitter. Criteria: CeGaT Center For Human Genetics Tuebingen Variant Classification Criteria Version 2. Collection method: clinical testing. Allele origin: germline. Affected: yes. Observed: 1 variant allele.

Quest Diagnostics Nichols Institute San Juan Capistrano
Classification: Pathogenic. Last evaluated: 2019-04-14. Review status: criteria provided, single submitter. Criteria: Quest Diagnostics criteria. Collection method: clinical testing. Allele origin: germline.
Comment: The variant results in a shift of the reading frame, and is therefore predicted to result in the loss of a functional protein. Found in at least one symptomatic patient, and not found in general population data.

Genesis Genomics
Classification: Pathogenic for Lynch syndrome 5. Review status: criteria provided, single submitter. Criteria: ACMG Guidelines, 2015. Collection method: clinical testing. Allele origin: germline. Affected: yes. Observed: 1 variant allele.

PreventionGenetics, part of Exact Sciences
Classification: Pathogenic for MSH6-related condition. Last evaluated: 2023-10-25. Review status: no assertion criteria provided. Collection method: clinical testing. Allele origin: germline. Not counted in ClinVar's aggregate classification.
Comment: The MSH6 c.1519dupA variant is predicted to result in a frameshift and premature protein termination (p.Arg507Lysfs*9). This variant has been reported individuals with Lynch syndrome, colorectal cancer, breast cancer, and papillary thyroid cancer (see, for example, Table A1, Yurgelun et al. 2017. PubMed ID: 28135145; Rossi et al. 2017. PubMed ID: 28874130, Sandoval et al. 2021. PubMed ID: 33606809; Supplementary Table S4, Siraj et al. 2017. PubMed ID: 28975465). This variant has not been reported in a large population database, indicating it is rare. This variant is interpreted as pathogenic in ClinVar. Frameshift variants in MSH6 are expected to be pathogenic. This variant is interpreted as pathogenic.

Department of Pathology and Laboratory Medicine, Sinai Health System
Classification: Pathogenic. Review status: no assertion criteria provided. Collection method: clinical testing. Allele origin: unknown. Affected: yes. Observed: 4 variant alleles. Study: The Canadian Open Genetics Repository (COGR). Not counted in ClinVar's aggregate classification.
Comment: The MSH6 p.Arg507LysfsX9 variant was not identified in the literature. The variant was identified in the UMD database 1X as â€šÃ„Ãºcausalâ€šÃ„Ã¹. The variant was not identified in the Clinvitae database, COSMIC, â€šÃ„ÃºMismatch Repair Genes Variant Databaseâ€šÃ„Ã¹, â€šÃ„ÃºMMR Gene Unclassified Variants Databaseâ€šÃ„Ã¹, InSiGHT Colon Cancer Gene Variant Database, â€šÃ„ÃºZhejiang Colon Cancer Databaseâ€šÃ„Ã¹, the ClinVar database, or GeneInsight COGR. The p.Arg507LysfsX9 duplication variant is predicted to cause a frameshift, which alters the protein's amino acid sequence beginning at codon 507 and leads to a premature stop codon 9 codons downstream. This alteration is then predicted to result in a truncated or absent protein and loss of function. Loss of function variants of the MSH6 gene are an established mechanism of disease in Lynch syndrome and this is the type of variant expected to cause the disorder. In summary, based on the above information, this variant meets our laboratoryâ€šÃ„Ã´s criteria to be classified as pathogenic.

Literature cited by the submitters: PubMed 28135145 (cited by 6 submitters); PubMed 28874130 (cited by 5 submitters); PubMed 33606809 (cited by Dasa); PubMed 28975465 (cited by Dasa and Ambry Genetics); PubMed 18269114 (cited by Labcorp Genetics (formerly Invitae), Labcorp); PubMed 24362816 (cited by Labcorp Genetics (formerly Invitae), Labcorp); PubMed 22949379 (cited by Ambry Genetics); PubMed 28514183 (cited by Ambry Genetics).

NM_000179.3(MSH6):c.1519dup (p.Arg507fs)

Gene: MSH6 (mutS homolog 6; plus strand). Cytogenetic location: 2p16.3.
Variant type: Duplication.
Coding change: c.1519dup on transcript NM_000179.3 (MANE Select); coding-DNA position 1519, one base duplicated (A; older notation c.1519dupA).
Protein change: p.Arg507fs; shifts the reading frame from arginine 507.
Molecular consequence: frameshift variant.
Genome position (GRCh38, 1-based): chr2:47,799,502, A duplicated. VCF-style (leftmost placement, unchanged base first): chr2-47799501-T-TA. GRCh37 (hg19) VCF-style: chr2-48026640-T-TA.
Other names: c.1519dupA (NM_000179.2, NM_000179.3); c.1129dup, p.Arg377fs (NM_001281492.2); c.613dup, p.Arg205fs (NM_001281493.2, NM_001281494.2); short protein forms R377fs, R507fs, R205fs.
Identifiers: ClinVar variation 230978 (VCV000230978.65), dbSNP rs876658881, ClinGen allele CA10578072.
Genomic context (GRCh38, chr2:47,799,501, plus strand): 5'-TGAGACTCCAGAAATGATGGAGGCACGATGTAGAAAGATGGCACATATATCCAAGTATGA[T>TA]AGAGTGGTGAGGAGGGAGATCTGTAGGATCATTACCAAGGGTACACAGACTTACAGTGTG-3'